The following is an entry in ClinVar:

ClinVar aggregate classification (germline): Benign. Review status: criteria provided, multiple submitters, no conflicts (2 of 4 stars). 3 submissions from 3 submitters: Benign (3). Last evaluated 2018-07-14.

Conditions:
Aortic aneurysm, familial thoracic 4 (AAT4). Also called: AORTIC ANEURYSM/AORTIC DISSECTION AND PATENT DUCTUS ARTERIOSUS. Identifiers: MedGen C1851504, MONDO:0007568, OMIM 132900.

Allele frequency attached by ClinVar (database versions not stated): gnomAD exomes 0.04149 and 0.05295; ExAC 0.05617; gnomAD 0.07258 and 0.07280; ESP Exome Variant Server 0.07265; TOPMed 0.07628; 1000 Genomes Project 0.09665; 1000 Genomes Project 30x 0.09916.
gnomAD v4.1: 72,342 of 1,614,098 alleles (4.5%); highest among the groups gnomAD compares: African/African-American, 15%; 2,508 homozygotes.

Submissions (3):

ARUP Laboratories, Molecular Genetics and Genomics, ARUP Laboratories
Classification: Benign for Aortic aneurysm, familial thoracic 4. Last evaluated: 2018-07-14. Review status: criteria provided, single submitter. Criteria: ARUP Molecular Germline Variant Investigation Process. Collection method: clinical testing. Allele origin: germline.

GeneDx
Classification: Benign. Last evaluated: 2018-06-14. Review status: criteria provided, single submitter. Criteria: GeneDx Variant Classification (06012015). Collection method: clinical testing. Allele origin: germline. Affected: yes.
Comment: This variant is considered likely benign or benign based on one or more of the following criteria: it is a conservative change, it occurs at a poorly conserved position in the protein, it is predicted to be benign by multiple in silico algorithms, and/or has population frequency not consistent with disease.

Breakthrough Genomics
Classification: Benign. Review status: criteria provided, single submitter. Criteria: ACMG Guidelines, 2015. Collection method: not provided. Allele origin: germline. Inheritance: Autosomal recessive inheritance. Affected: yes.

NM_002474.3(MYH11):c.2181-39C>T

Gene: MYH11 (myosin heavy chain 11; minus strand). Cytogenetic location: 16p13.11.
Variant type: single nucleotide variant.
Coding change: c.2181-39C>T on transcript NM_002474.3 (MANE Select); 39 bases into the intron before coding-DNA position 2181, C replaced by T.
Molecular consequence: intron variant.
Genome position (GRCh38, 1-based): chr16:15,747,982, G>A on the plus strand (C>T on the coding strand, the complement: MYH11 is on the minus strand). VCF-style: chr16-15747982-G-A. GRCh37 (hg19) VCF-style: chr16-15841839-G-A.
Other names: c.2181-39C>T (NM_022844.3); c.2202-39C>T (NM_001040114.2, NM_001040113.2).
Identifiers: ClinVar variation 439929 (VCV000439929.10), dbSNP rs12935582, ClinGen allele CA7922362.
Genomic context (GRCh38, chr16:15,747,982, plus strand): 5'-ATTCGCCGCCAGGATCTCGTAGCTTGAAACACAGAGCAGAAGTCACCCCGGGTACCTCCA[G>A]CATCCATTCCTCCACCCAGTCCCGCTCACCCCCTGCCCTACCTGGGCCAGACCTTGGGAC-3'